The following is an entry in ClinVar:

NM_000452.3(SLC10A2):c.22G>A (p.Val8Met)

Gene: SLC10A2 (solute carrier family 10 member 2; minus strand). Cytogenetic location: 13q33.1.
Variant type: single nucleotide variant.
Coding change: c.22G>A on transcript NM_000452.3 (MANE Select); coding-DNA position 22, G replaced by A.
Protein change: p.Val8Met; replaces valine 8 with methionine.
Molecular consequence: missense variant.
Genome position (GRCh38, 1-based): chr13:103,066,228, C>T on the plus strand (G>A on the coding strand, the complement: SLC10A2 is on the minus strand). VCF-style: chr13-103066228-C-T. GRCh37 (hg19) VCF-style: chr13-103718578-C-T.
Other names: c.22G>A (NM_000452.2); short protein forms V8M.
Identifiers: ClinVar variation 2064420 (VCV002064420.5), dbSNP rs982174246, ClinGen allele CA255216876.
Genomic context (GRCh38, chr13:103,066,228, plus strand): 5'-TATTGAAATTGCTCTCAGGTACCACACAGGATGCACCAGAGCAAACTGTTGCATTGTCCA[C>T]ACAGCTGTTCGGATCATTCATTGCTGGGTCTGCTGCTGGAAAGGCCAAGTCCACAGAAGC-3'
Protein context (NP_000443.2, residues 1-18): MNDPNSC[Val8Met]DNATVCSGAS

ClinVar aggregate classification (germline): Uncertain significance. Review status: criteria provided, single submitter (1 of 4 stars). 2 submissions from 2 submitters: Uncertain significance (1). 1 of the submissions does not count toward it. Last evaluated 2025-11-19.

Conditions:
SLC10A2-related disorder. Also called: SLC10A2-related condition.

Allele frequency attached by ClinVar (database versions not stated): gnomAD 0.00001; gnomAD exomes 0.00001; TOPMed 0.00002.
gnomAD v4.1: 5 of 1,608,728 alleles (0.00031%); highest among the groups gnomAD compares: Admixed American, 0.0083%; no homozygotes.

Submissions (2):

Labcorp Genetics (formerly Invitae), Labcorp
Classification: Uncertain significance. Last evaluated: 2025-11-19. Review status: criteria provided, single submitter. Criteria: Invitae Variant Classification Sherloc (09022015). Collection method: clinical testing. Allele origin: germline.
Comment: This sequence change replaces valine, which is neutral and non-polar, with methionine, which is neutral and non-polar, at codon 8 of the SLC10A2 protein (p.Val8Met). This variant is present in population databases (no rsID available, gnomAD 0.003%). This variant has not been reported in the literature in individuals affected with SLC10A2-related conditions. ClinVar contains an entry for this variant (Variation ID: 2064420). An algorithm developed to predict the effect of missense changes on protein structure and function (PolyPhen-2) suggests that this variant is likely to be tolerated. In summary, the available evidence is currently insufficient to determine the role of this variant in disease. Therefore, it has been classified as a Variant of Uncertain Significance.

PreventionGenetics, part of Exact Sciences
Classification: Uncertain significance for SLC10A2-related condition. Last evaluated: 2024-03-28. Review status: no assertion criteria provided. Collection method: clinical testing. Allele origin: germline. Not counted in ClinVar's aggregate classification.
Comment: The SLC10A2 c.22G>A variant is predicted to result in the amino acid substitution p.Val8Met. To our knowledge, this variant has not been reported in the literature. This variant is reported in 0.0058% of alleles in individuals of Latino descent in gnomAD. At this time, the clinical significance of this variant is uncertain due to the absence of conclusive functional and genetic evidence.